The following is an entry in ClinVar:

NM_182972.3(IRF2BP2):c.1615A>G (p.Lys539Glu)

Gene: IRF2BP2 (interferon regulatory factor 2 binding protein 2; minus strand). Cytogenetic location: 1q42.3.
Variant type: single nucleotide variant.
Coding change: c.1615A>G on transcript NM_182972.3 (MANE Select); coding-DNA position 1615, A replaced by G.
Protein change: p.Lys539Glu; replaces lysine 539 with glutamic acid.
Molecular consequence: missense variant.
Genome position (GRCh38, 1-based): chr1:234,607,286, T>C on the plus strand (A>G on the coding strand, the complement: IRF2BP2 is on the minus strand). VCF-style: chr1-234607286-T-C. GRCh37 (hg19) VCF-style: chr1-234743032-T-C.
Other names: c.1567A>G, p.Lys523Glu (NM_001077397.1); short protein forms K523E, K539E.
Identifiers: ClinVar variation 3764476 (VCV003764476.1).
Genomic context (GRCh38, chr1:234,607,286, plus strand): 5'-CCACAAGAGGGCATTTTTCCCCACTGGGACAATAGACCTCTCCACTAGCTCCCTGCTGTT[T>C]GATGCTTTGTCTGGAGCAAGGGAAGCAGAACTTGTGCGAAGGGACGGACGGGCACTGCAC-3'
Protein context (NP_892017.2, residues 529-549): FCFPCSRQSI[Lys539Glu]QQGASGEVYC

ClinVar aggregate classification (germline): Uncertain significance (1 of 4 stars; one submission).

Submission:

GeneDx
Classification: Uncertain significance. Last evaluated: 2024-08-21. Review status: criteria provided, single submitter. Criteria: GeneDx Variant Classification Process June 2021. Collection method: clinical testing. Allele origin: germline. Affected: yes.
Comment: Not observed at significant frequency in large population cohorts (gnomAD); In silico analysis supports that this missense variant has a deleterious effect on protein structure/function; Has not been previously published as pathogenic or benign to our knowledge